The following is an entry in ClinVar:

ClinVar aggregate classification (germline): Uncertain significance (1 of 4 stars; one submission).

Conditions:
Familial thoracic aortic aneurysm and aortic dissection (TAAD). Also called: Thoracic aortic aneurysms and dissections. Identifiers: Orphanet 91387, MedGen C4707243, MONDO:0019625.
Hereditary cancer-predisposing syndrome. Also called: Neoplastic Syndromes, Hereditary; Tumor predisposition; Hereditary Cancer Syndrome; Hereditary neoplastic syndrome. Identifiers: Orphanet 140162, MedGen C0027672, MeSH D009386, MONDO:0015356.

Submission:

Ambry Genetics
Classification: Uncertain significance for Hereditary cancer-predisposing syndrome; Familial thoracic aortic aneurysm and aortic dissection. Last evaluated: 2023-05-18. Review status: criteria provided, single submitter. Criteria: Ambry Variant Classification Scheme 2023. Collection method: clinical testing. Allele origin: germline.
Comment: The p.N107D variant (also known as c.319A>G), located in coding exon 2 of the SMAD4 gene, results from an A to G substitution at nucleotide position 319. The asparagine at codon 107 is replaced by aspartic acid, an amino acid with highly similar properties. This amino acid position is highly conserved in available vertebrate species. In addition, this alteration is predicted to be tolerated by in silico analysis. Since supporting evidence is limited at this time, the clinical significance of this alteration remains unclear.

NM_005359.6(SMAD4):c.319A>G (p.Asn107Asp)

Gene: SMAD4 (SMAD family member 4; plus strand). Cytogenetic location: 18q21.2.
Variant type: single nucleotide variant.
Coding change: c.319A>G on transcript NM_005359.6 (MANE Select); coding-DNA position 319, A replaced by G.
Protein change: p.Asn107Asp; replaces asparagine 107 with aspartic acid.
Molecular consequence: missense variant.
Genome position (GRCh38, 1-based): chr18:51,048,755, A>G. VCF-style: chr18-51048755-A-G. GRCh37 (hg19) VCF-style: chr18-48575125-A-G.
Other names: short protein forms N107D.
Identifiers: ClinVar variation 484806 (VCV000484806.5), dbSNP rs1555685162, ClinGen allele CA402458321.